The following is an entry in ClinVar:

NM_001134831.2(AHI1):c.1152-1G>A

Gene: AHI1 (Abelson helper integration site 1; minus strand). Cytogenetic location: 6q23.3.
Variant type: single nucleotide variant.
Coding change: c.1152-1G>A on transcript NM_001134831.2 (MANE Select); the canonical splice acceptor site of the intron before coding-DNA position 1152, G replaced by A.
Molecular consequence: splice acceptor variant.
Genome position (GRCh38, 1-based): chr6:135,455,927, C>T on the plus strand (G>A on the coding strand, the complement: AHI1 is on the minus strand). VCF-style: chr6-135455927-C-T. GRCh37 (hg19) VCF-style: chr6-135777065-C-T.
Other names: c.1152-1G>A (NM_001134830.2, NM_001350503.2, NM_017651.5 and 3 more transcripts).
Identifiers: ClinVar variation 3021915 (VCV003021915.5), dbSNP rs1344854036, ClinGen allele CA365746783.

ClinVar aggregate classification (germline): Pathogenic/Likely pathogenic. Review status: criteria provided, multiple submitters, no conflicts (2 of 4 stars). 3 submissions from 3 submitters: Pathogenic (1); Likely pathogenic (2). Last evaluated 2026-01-26.

Conditions:
Joubert syndrome. Also called: JOUBERT-BOLTSHAUSER SYNDROME; Familial aplasia of the vermis. Identifiers: Orphanet 475, MedGen C5979921, MONDO:0018772.
Joubert syndrome 3 (JBTS3). Also called: AHI1-related Ciliopathy. Identifiers: Orphanet 220493, MedGen C1837713, MONDO:0012078, OMIM 608629.

Allele frequency attached by ClinVar (database versions not stated): gnomAD exomes below 0.00001.
gnomAD v4.1: 2 of 1,424,752 alleles (0.00014%); highest among the groups gnomAD compares: Non-Finnish European, 0.00019%; no homozygotes.

Submissions (3):

Myriad Genetics, Inc.
Classification: Likely pathogenic for Joubert syndrome 3. Last evaluated: 2026-01-26. Review status: criteria provided, single submitter. Criteria: Myriad Autosomal Dominant, Autosomal Recessive and X-Linked Classification Criteria (2023). Collection method: clinical testing. Allele origin: unknown.
Comment: NM_001134831.1(AHI1):c.1152-1G>A is a variant in a canonical splice site classified as likely pathogenic in the context of Joubert syndrome, AHI1-related. c.1152-1G>A has not been observed in cases with relevant disease. Relevant functional assessments of this variant are not available in the literature. c.1152-1G>A has been observed in referenced population frequency databases. In summary, NM_001134831.1(AHI1):c.1152-1G>A is a variant in a canonical splice site in a gene where loss of function is a known mechanism of disease and is predicted to disrupt protein function. Please note: this variant was assessed in the context of healthy population screening.

Fulgent Genetics
Classification: Likely pathogenic for Joubert syndrome 3. Last evaluated: 2024-06-19. Review status: criteria provided, single submitter. Criteria: ACMG Guidelines, 2015. Collection method: clinical testing. Allele origin: germline.

Labcorp Genetics (formerly Invitae), Labcorp
Classification: Pathogenic for Joubert syndrome. Last evaluated: 2023-08-10. Review status: criteria provided, single submitter. Criteria: Invitae Variant Classification Sherloc (09022015). Collection method: clinical testing. Allele origin: germline.
Comment: This sequence change affects an acceptor splice site in intron 8 of the AHI1 gene. It is expected to disrupt RNA splicing. Variants that disrupt the donor or acceptor splice site typically lead to a loss of protein function (PMID: 16199547), and loss-of-function variants in AHI1 are known to be pathogenic (PMID: 15322546, 16453322, 28442542, 29186038). For these reasons, this variant has been classified as Pathogenic. Algorithms developed to predict the effect of sequence changes on RNA splicing suggest that this variant may disrupt the consensus splice site. Disruption of this splice site has been observed in individual(s) with Joubert syndrome (PMID: 16155189, 31069529). The frequency data for this variant in the population databases is considered unreliable, as metrics indicate poor data quality at this position in the gnomAD database.

Literature cited by the submitters: PubMed 16199547 (cited by Labcorp Genetics (formerly Invitae), Labcorp); PubMed 15322546 (cited by Labcorp Genetics (formerly Invitae), Labcorp); PubMed 16453322 (cited by Labcorp Genetics (formerly Invitae), Labcorp); PubMed 28442542 (cited by Labcorp Genetics (formerly Invitae), Labcorp); PubMed 29186038 (cited by Labcorp Genetics (formerly Invitae), Labcorp); PubMed 16155189 (cited by Labcorp Genetics (formerly Invitae), Labcorp); PubMed 31069529 (cited by Labcorp Genetics (formerly Invitae), Labcorp).